The following is an entry in ClinVar:

ClinVar aggregate classification (germline): Benign/Likely benign. Review status: criteria provided, multiple submitters, no conflicts (2 of 4 stars). 5 submissions from 5 submitters: Benign (1); Likely benign (3). 1 of the submissions does not count toward it. Last evaluated 2025-12-01.

Conditions:
Charcot-Marie-Tooth disease. Also called: Charcot-Marie-Tooth Neuropathy; Charcot-Marie-Tooth Hereditary Neuropathy. Identifiers: Orphanet 166, MedGen C0007959, MONDO:0015626.
NEFL-related disorder. Also called: NEFL-related condition.
Inborn genetic diseases. Identifiers: MedGen C0950123, MeSH D030342.
Charcot-Marie-Tooth disease type 2E (CMT2E). Also called: CHARCOT-MARIE-TOOTH DISEASE, AXONAL, TYPE 2E; CHARCOT-MARIE-TOOTH NEUROPATHY, TYPE 2E. Identifiers: Orphanet 99939, MedGen C1843225, MONDO:0011894, OMIM 607684.

Allele frequency attached by ClinVar (database versions not stated): gnomAD below 0.00001 and 0.00027; TOPMed 0.00004; gnomAD exomes 0.00056 and 0.00121; ExAC 0.00151; 1000 Genomes Project 30x 0.00187; 1000 Genomes Project 0.00220.
gnomAD v4.1: 849 of 1,603,990 alleles (0.053%); highest among the groups gnomAD compares: South Asian, 0.89%; 17 homozygotes.

Submissions (5):

Labcorp Genetics (formerly Invitae), Labcorp
Classification: Benign for Charcot-Marie-Tooth disease type 2E. Last evaluated: 2025-12-01. Review status: criteria provided, single submitter. Criteria: Invitae Variant Classification Sherloc (09022015). Collection method: clinical testing. Allele origin: germline.

CeGaT Center for Human Genetics Tuebingen
Classification: Likely benign. Last evaluated: 2024-05-01. Review status: criteria provided, single submitter. Criteria: CeGaT Center For Human Genetics Tuebingen Variant Classification Criteria Version 2. Collection method: clinical testing. Allele origin: germline. Affected: yes. Observed: 2 variant alleles.
Comment: NEFL: BS2

Ambry Genetics
Classification: Likely benign for Inborn genetic diseases. Last evaluated: 2019-09-09. Review status: criteria provided, single submitter. Criteria: Ambry Variant Classification Scheme 2023. Collection method: clinical testing. Allele origin: germline.

Molecular Genetics Laboratory, London Health Sciences Centre
Classification: Likely benign for Charcot-Marie-Tooth disease. Review status: criteria provided, single submitter. Criteria: ACMG Guidelines, 2015. Collection method: clinical testing. Allele origin: germline. Affected: yes.

PreventionGenetics, part of Exact Sciences
Classification: Benign for NEFL-related condition. Last evaluated: 2019-04-25. Review status: no assertion criteria provided. Collection method: clinical testing. Allele origin: germline. Not counted in ClinVar's aggregate classification.
Comment: This variant is classified as benign based on ACMG/AMP sequence variant interpretation guidelines (Richards et al. 2015 PMID: 25741868, with internal and published modifications).

NM_006158.5(NEFL):c.582A>C (p.Glu194Asp)

Gene: NEFL (neurofilament light chain; minus strand). Cytogenetic location: 8p21.2.
Variant type: single nucleotide variant.
Coding change: c.582A>C on transcript NM_006158.5 (MANE Select); coding-DNA position 582, A replaced by C.
Protein change: p.Glu194Asp; replaces glutamic acid 194 with aspartic acid.
Molecular consequence: missense variant.
Genome position (GRCh38, 1-based): chr8:24,955,934, T>G on the plus strand (A>C on the coding strand, the complement: NEFL is on the minus strand). VCF-style: chr8-24955934-T-G. GRCh37 (hg19) VCF-style: chr8-24813448-T-G.
Other names: short protein forms E194D.
Identifiers: ClinVar variation 464927 (VCV000464927.37), dbSNP rs532240912, ClinGen allele CA4681473.
Genomic context (GRCh38, chr8:24,955,934, plus strand): 5'-GTCGATGCGCTTCTCGAGCTCGGCGCGAGCGAGCGCCGCCTCGTCGGCGCCTTTGCGCGC[T>G]TCCATCAGCCGGCCCTCGGCGTCCTCGCGGCTCAGCACCTCCTCTTCATAGCGCGCCTGC-3'
Protein context (NP_006149.2, residues 184-204): SREDAEGRLM[Glu194Asp]ARKGADEAAL